The following is an entry in ClinVar:

NM_001283009.2(RTEL1):c.3416C>T (p.Pro1139Leu)

Genes: RTEL1 (regulator of telomere elongation helicase 1; plus strand), RTEL1-TNFRSF6B (RTEL1-TNFRSF6B readthrough (NMD candidate); plus strand). Cytogenetic location: 20q13.33.
Variant type: single nucleotide variant.
Coding change: c.3416C>T on transcript NM_001283009.2 (MANE Select); coding-DNA position 3416, C replaced by T.
Protein change: p.Pro1139Leu; replaces proline 1139 with leucine.
Molecular consequence: missense variant. On other transcripts: non-coding transcript variant (1).
Genome position (GRCh38, 1-based): chr20:63,695,138, C>T. VCF-style: chr20-63695138-C-T. GRCh37 (hg19) VCF-style: chr20-62326491-C-T.
Other names: c.2747C>T, p.Pro916Leu (NM_001283010.1); c.3416C>T, p.Pro1139Leu (NM_016434.4); c.3488C>T, p.Pro1163Leu (NM_032957.5); short protein forms P1139L, P916L, P1163L.
Identifiers: ClinVar variation 2171079 (VCV002171079.2), dbSNP rs1487906619, ClinGen allele CA409685387.

ClinVar aggregate classification (germline): Uncertain significance. Review status: criteria provided, multiple submitters, no conflicts (2 of 4 stars). 2 submissions from 2 submitters: Uncertain significance (2). Last evaluated 2025-03-17.

Conditions:
Dyskeratosis congenita, autosomal recessive 5 (DKCB5). Identifiers: MedGen C3554656, MONDO:0014076, OMIM 615190.
Pulmonary fibrosis and/or bone marrow failure, Telomere-related, 3. Also called: PULMONARY FIBROSIS AND/OR BONE MARROW FAILURE SYNDROME, TELOMERE-RELATED, 3. Identifiers: Orphanet 2032, MedGen C4225346, MONDO:0014613, OMIM 616373.
Inborn genetic diseases. Identifiers: MedGen C0950123, MeSH D030342.

Submissions (2):

Ambry Genetics
Classification: Uncertain significance for Inborn genetic diseases. Last evaluated: 2025-03-17. Review status: criteria provided, single submitter. Criteria: Ambry Variant Classification Scheme 2023. Collection method: clinical testing. Allele origin: germline.
Comment: The p.P1139L variant (also known as c.3416C>T), located in coding exon 32 of the RTEL1 gene, results from a C to T substitution at nucleotide position 3416. The proline at codon 1139 is replaced by leucine, an amino acid with similar properties. This amino acid position is conserved. In addition, the in silico prediction for this alteration is inconclusive. Based on the available evidence, the clinical significance of this variant remains unclear.

Labcorp Genetics (formerly Invitae), Labcorp
Classification: Uncertain significance for Dyskeratosis congenita, autosomal recessive 5; Pulmonary fibrosis and/or bone marrow failure, Telomere-related, 3. Last evaluated: 2022-08-03. Review status: criteria provided, single submitter. Criteria: Invitae Variant Classification Sherloc (09022015). Collection method: clinical testing. Allele origin: germline.
Comment: This sequence change replaces proline, which is neutral and non-polar, with leucine, which is neutral and non-polar, at codon 1139 of the RTEL1 protein (p.Pro1139Leu). This variant is not present in population databases (gnomAD no frequency). This variant has not been reported in the literature in individuals affected with RTEL1-related conditions. Algorithms developed to predict the effect of missense changes on protein structure and function are either unavailable or do not agree on the potential impact of this missense change (SIFT: "Tolerated"; PolyPhen-2: "Possibly Damaging"; Align-GVGD: "Class C0"). In summary, the available evidence is currently insufficient to determine the role of this variant in disease. Therefore, it has been classified as a Variant of Uncertain Significance.